The following is an entry in ClinVar:

ClinVar aggregate classification (germline): Conflicting classifications of pathogenicity. Review status: criteria provided, conflicting classifications (1 of 4 stars). 7 submissions from 7 submitters: Uncertain significance (5); Likely benign (1). 1 of the submissions does not count toward it. Last evaluated 2026-02-02.

Conditions:
Miyoshi muscular dystrophy 1 (MMD1). Identifiers: Orphanet 45448, MedGen C4551973, MONDO:0024545, OMIM 254130.
Autosomal recessive limb-girdle muscular dystrophy type 2B (LGMDR2). Also called: MUSCULAR DYSTROPHY, LIMB-GIRDLE, TYPE 3; Limb-Girdle Muscular Dystrophy Type 2B (LGMD2B); Limb-girdle muscular dystrophy, type 2B; MUSCULAR DYSTROPHY, LIMB-GIRDLE, AUTOSOMAL RECESSIVE 2. Identifiers: Orphanet 268, MedGen C1850889, MONDO:0009676, OMIM 253601.
Distal myopathy with anterior tibial onset. Identifiers: Orphanet 178400, MedGen C1847532, MONDO:0011721, OMIM 606768.
Neuromuscular disease caused by qualitative or quantitative defects of dysferlin. Also called: Dysferlinopathy; Qualitative or quantitative defects of dysferlin. Identifiers: Orphanet 207073, MedGen C2931687, MONDO:0016145.

Allele frequency attached by ClinVar (database versions not stated): ExAC 0.00005; gnomAD exomes 0.00009; gnomAD 0.00053 and 0.00054; 1000 Genomes Project 0.00080; 1000 Genomes Project 30x 0.00094; TOPMed 0.00115.
gnomAD v4.1: 183 of 1,613,970 alleles (0.011%); highest among the groups gnomAD compares: Admixed American, 0.17%; 1 homozygote.

Submissions (7):

Labcorp Genetics (formerly Invitae), Labcorp
Classification: Likely benign for Neuromuscular disease caused by qualitative or quantitative defects of dysferlin. Last evaluated: 2026-02-02. Review status: criteria provided, single submitter. Criteria: Invitae Variant Classification Sherloc (09022015). Collection method: clinical testing. Allele origin: germline.

GeneDx
Classification: Uncertain significance. Last evaluated: 2024-12-12. Review status: criteria provided, single submitter. Criteria: GeneDx Variant Classification Process June 2021. Collection method: clinical testing. Allele origin: germline. Affected: yes.
Comment: In silico analysis supports that this missense variant has a deleterious effect on protein structure/function; Observed with a frameshift variant in a patient in published literature, but it is not known whether the variants occurred on the same (in cis) or on different (in trans) chromosomes (PMID: 18832576); This variant is associated with the following publications: (PMID: 24438169, 30564623, Schiava_2022, 31931849, 18832576)

Revvity Omics, Revvity
Classification: Uncertain significance. Last evaluated: 2023-09-25. Review status: criteria provided, single submitter. Criteria: ACMG Guidelines, 2015. Collection method: clinical testing. Allele origin: germline.

Fulgent Genetics
Classification: Uncertain significance for Autosomal recessive limb-girdle muscular dystrophy type 2B; Miyoshi muscular dystrophy 1; Distal myopathy with anterior tibial onset. Last evaluated: 2022-05-05. Review status: criteria provided, single submitter. Criteria: ACMG Guidelines, 2015. Collection method: clinical testing. Allele origin: unknown.

Eurofins Ntd Llc (ga)
Classification: Uncertain significance. Last evaluated: 2016-01-22. Review status: criteria provided, single submitter. Criteria: EGL Classification Definitions 2015. Collection method: clinical testing. Allele origin: germline. Observed: 1 variant allele.

Breakthrough Genomics
Classification: Uncertain significance. Review status: criteria provided, single submitter. Criteria: ACMG Guidelines, 2015. Collection method: not provided. Allele origin: germline. Inheritance: Autosomal recessive inheritance. Affected: yes.

Natera, Inc.
Classification: Uncertain significance for Limb-girdle muscular dystrophy type 2B. Last evaluated: 2020-09-16. Review status: no assertion criteria provided. Collection method: clinical testing. Allele origin: germline. Not counted in ClinVar's aggregate classification.

NM_001130987.2(DYSF):c.1498C>T (p.Arg500Cys)

Gene: DYSF (dysferlin; plus strand). Cytogenetic location: 2p13.2.
Variant type: single nucleotide variant.
Coding change: c.1498C>T on transcript NM_001130987.2 (MANE Select); coding-DNA position 1498, C replaced by T.
Protein change: p.Arg500Cys; replaces arginine 500 with cysteine.
Molecular consequence: missense variant.
Genome position (GRCh38, 1-based): chr2:71,539,161, C>T. VCF-style: chr2-71539161-C-T. GRCh37 (hg19) VCF-style: chr2-71766291-C-T.
Other names: c.1405C>T, p.Arg469Cys (NM_001130455.2, NM_001130983.2, NM_001130984.2 and 1 more transcripts); c.1402C>T, p.Arg468Cys (NM_001130976.2, NM_001130977.2, NM_001130978.2 and 1 more transcripts); c.1495C>T, p.Arg499Cys (NM_001130979.2, NM_001130980.2, NM_001130981.2); c.1498C>T, p.Arg500Cys (NM_001130982.2, NM_001130985.2); short protein forms R500C, R468C, R469C, R499C.
Identifiers: ClinVar variation 285813 (VCV000285813.16), dbSNP rs185119682, ClinGen allele CA1705795.